The following is an entry in ClinVar:

ClinVar aggregate classification (germline): Uncertain significance (1 of 4 stars; one submission).

Conditions:
Intellectual developmental disorder, autosomal dominant 45. Also called: MENTAL RETARDATION, AUTOSOMAL DOMINANT 45; Intellectual disability, autosomal dominant 45. Identifiers: MedGen C4539848, MONDO:0030910, OMIM 617600.

Submission:

Baylor Genetics
Classification: Uncertain significance for Intellectual developmental disorder, autosomal dominant 45. Last evaluated: 2019-06-10. Review status: criteria provided, single submitter. Criteria: ACMG Guidelines, 2015. Collection method: clinical testing. Allele origin: unknown. Affected: yes.
Comment: This variant was determined to be of uncertain significance according to ACMG Guidelines, 2015 [PMID:25741868].

NM_001386298.1(CIC):c.6188G>C (p.Ser2063Thr)

Gene: CIC (capicua transcriptional repressor; plus strand). Cytogenetic location: 19q13.2.
Variant type: single nucleotide variant.
Coding change: c.6188G>C on transcript NM_001386298.1 (MANE Select); coding-DNA position 6188, G replaced by C.
Protein change: p.Ser2063Thr; replaces serine 2063 with threonine.
Molecular consequence: missense variant.
Genome position (GRCh38, 1-based): chr19:42,292,851, G>C. VCF-style: chr19-42292851-G-C. GRCh37 (hg19) VCF-style: chr19-42797003-G-C.
Other names: c.6188G>C, p.Ser2063Thr (NM_001304815.2, NM_001379480.1, NM_001379482.1); c.3461G>C, p.Ser1154Thr (NM_001379484.1, NM_001379485.1, NM_015125.5); short protein forms S2063T, S1154T.
Identifiers: ClinVar variation 1030469 (VCV001030469.1), dbSNP rs2038240262, ClinGen allele CA406116683.